The following is an entry in ClinVar:

NM_001365088.1(SLC12A6):c.*1725G>A

Gene: SLC12A6 (solute carrier family 12 member 6; minus strand). Cytogenetic location: 15q14.
Variant type: single nucleotide variant.
Coding change: c.*1725G>A on transcript NM_001365088.1 (MANE Select); 1725 bases downstream of the stop codon, G replaced by A.
Molecular consequence: 3 prime UTR variant.
Genome position (GRCh38, 1-based): chr15:34,232,156, C>T on the plus strand (G>A on the coding strand, the complement: SLC12A6 is on the minus strand). VCF-style: chr15-34232156-C-T. GRCh37 (hg19) VCF-style: chr15-34524357-C-T.
Other names: c.*1725G>A (NM_001042494.2, NM_001042495.2, NM_001042496.2 and 3 more transcripts).
Identifiers: ClinVar variation 886513 (VCV000886513.4), dbSNP rs76243307, ClinGen allele CA268651842.
Genomic context (GRCh38, chr15:34,232,156, plus strand): 5'-AAGAAATGAAGATTTCACATACTTGAAATTACTGCTCAGCCAGCCACATAAGTAGTTTCC[C>T]TATGCTTGTAAGCCAGATGTTTGATCAGTATATTAGTAAATAAAAAGCTGAGCTTACACA-3'

ClinVar aggregate classification (germline): Benign (1 of 4 stars; one submission).

Conditions:
Agenesis of the corpus callosum with peripheral neuropathy (ACCPN). Also called: Hereditary Motor and Sensory Neuropathy with Agenesis of the Corpus Callosum; CHARLEVOIX DISEASE; POLYNEUROPATHY, SENSORIMOTOR, WITH OR WITHOUT AGENESIS OF THE CORPUS CALLOSUM; HMSN/ACC. Identifiers: Orphanet 1496, MedGen C0795950, MONDO:0000902, OMIM 218000. Disease mechanism: loss of function.

Allele frequency attached by ClinVar (database versions not stated): 1000 Genomes Project 0.00859; 1000 Genomes Project 30x 0.00859; gnomAD 0.01627 and 0.01650; TOPMed 0.01669.

Submission:

Illumina Laboratory Services, Illumina
Classification: Benign for Agenesis of the corpus callosum with peripheral neuropathy. Last evaluated: 2018-01-12. Review status: criteria provided, single submitter. Criteria: ICSL Variant Classification Criteria 13 December 2019. Collection method: clinical testing. Allele origin: germline.
Comment: This variant was observed in the ICSL laboratory as part of a predisposition screen in an ostensibly healthy population. It had not been previously curated by ICSL or reported in the Human Gene Mutation Database (HGMD: prior to June 1st, 2018), and was therefore a candidate for classification through an automated scoring system. Utilizing variant allele frequency, disease prevalence and penetrance estimates, and inheritance mode, an automated score was calculated to assess if this variant is too frequent to cause the disease. Based on the score and internal cut-off values, a variant classified as benign is not then subjected to further curation. The score for this variant resulted in a classification of benign for this disease.